The following is an entry in ClinVar:

ClinVar aggregate classification (germline): Likely benign (1 of 4 stars; one submission).

Allele frequency attached by ClinVar (database versions not stated): 1000 Genomes Project 0.00240; ExAC 0.00535; TOPMed 0.00663; ESP Exome Variant Server 0.00900; 1000 Genomes Project 30x 0.00016; gnomAD exomes 0.00029; gnomAD 0.00092.
gnomAD v4.1: 316 of 1,579,142 alleles (0.02%); highest among the groups gnomAD compares: African/African-American, 0.022%; 2 homozygotes.

Submission:

CeGaT Center for Human Genetics Tuebingen
Classification: Likely benign. Last evaluated: 2022-07-01. Review status: criteria provided, single submitter. Criteria: CeGaT Center For Human Genetics Tuebingen Variant Classification Criteria Version 2. Collection method: clinical testing. Allele origin: germline. Affected: yes. Observed: 1 variant allele.
Comment: TNFRSF10C: BP4

NM_003841.5(TNFRSF10C):c.514C>T (p.Pro172Ser)

Gene: TNFRSF10C (TNF receptor superfamily member 10c; plus strand). Cytogenetic location: 8p21.3.
Variant type: single nucleotide variant.
Coding change: c.514C>T on transcript NM_003841.5 (MANE Select); coding-DNA position 514, C replaced by T.
Protein change: p.Pro172Ser; replaces proline 172 with serine.
Molecular consequence: missense variant.
Genome position (GRCh38, 1-based): chr8:23,116,765, C>T. VCF-style: chr8-23116765-C-T. GRCh37 (hg19) VCF-style: chr8-22974278-C-T.
Other names: short protein forms P172S.
Identifiers: ClinVar variation 2658478 (VCV002658478.24), dbSNP rs76324416, ClinGen allele CA4673836.